The following is an entry in ClinVar:

ClinVar aggregate classification (germline): Uncertain significance (1 of 4 stars; one submission).

Conditions:
Cardiovascular phenotype. Identifiers: MedGen CN230736.
Hereditary cancer-predisposing syndrome. Also called: Tumor predisposition; Neoplastic Syndromes, Hereditary; Hereditary Cancer Syndrome; Hereditary neoplastic syndrome. Identifiers: Orphanet 140162, MedGen C0027672, MeSH D009386, MONDO:0015356.

Submission:

Ambry Genetics
Classification: Uncertain significance for Cardiovascular phenotype; Hereditary cancer-predisposing syndrome. Last evaluated: 2024-12-26. Review status: criteria provided, single submitter. Criteria: Ambry Variant Classification Scheme 2023. Collection method: clinical testing. Allele origin: germline.
Comment: The p.F1757I variant (also known as c.5269T>A), located in coding exon 37 of the NF1 gene, results from a T to A substitution at nucleotide position 5269. The phenylalanine at codon 1757 is replaced by isoleucine, an amino acid with highly similar properties. This amino acid position is conserved. In addition, the in silico prediction for this alteration is inconclusive. Based on the available evidence, the clinical significance of this variant remains unclear.

NM_001042492.3(NF1):c.5332T>A (p.Phe1778Ile)

Gene: NF1 (neurofibromin 1; plus strand). Cytogenetic location: 17q11.2.
Variant type: single nucleotide variant.
Coding change: c.5332T>A on transcript NM_001042492.3 (MANE Select); coding-DNA position 5332, T replaced by A.
Protein change: p.Phe1778Ile; replaces phenylalanine 1778 with isoleucine.
Molecular consequence: missense variant.
Genome position (GRCh38, 1-based): chr17:31,327,562, T>A. VCF-style: chr17-31327562-T-A. GRCh37 (hg19) VCF-style: chr17-29654580-T-A.
Other names: c.5269T>A, p.Phe1757Ile (NM_000267.4); short protein forms F1757I, F1778I.
Identifiers: ClinVar variation 3879026 (VCV003879026.1).
Genomic context (GRCh38, chr17:31,327,562, plus strand): 5'-GGTTCTACTGCTGTCCAAGTAACTTCAGCAGAGCGAACAAAAGTCCTAGGGCAATCAGTC[T>A]TTCTAAATGACATTTATTATGCTTCGGAAATTGAAGAAATCTGCCTAGTAGATGAGAACC-3'
Protein context (NP_001035957.1, residues 1768-1788): ERTKVLGQSV[Phe1778Ile]LNDIYYASEI